The following is an entry in ClinVar:

ClinVar aggregate classification (germline): Uncertain significance. Review status: criteria provided, multiple submitters, no conflicts (2 of 4 stars). 2 submissions from 2 submitters: Uncertain significance (2). Last evaluated 2023-11-02.

Conditions:
Neuromuscular disease caused by qualitative or quantitative defects of dysferlin. Also called: Qualitative or quantitative defects of dysferlin; Dysferlinopathy. Identifiers: Orphanet 207073, MedGen C2931687, MONDO:0016145.

Allele frequency attached by ClinVar (database versions not stated): TOPMed below 0.00001; ExAC 0.00001; gnomAD 0.00001; gnomAD exomes 0.00001.
gnomAD v4.1: 20 of 1,613,970 alleles (0.0012%); highest among the groups gnomAD compares: Admixed American, 0.0033%; no homozygotes.

Submissions (2):

Revvity Omics, Revvity
Classification: Uncertain significance. Last evaluated: 2023-11-02. Review status: criteria provided, single submitter. Criteria: ACMG Guidelines, 2015. Collection method: clinical testing. Allele origin: germline.

Labcorp Genetics (formerly Invitae), Labcorp
Classification: Uncertain significance for Neuromuscular disease caused by qualitative or quantitative defects of dysferlin. Last evaluated: 2022-01-26. Review status: criteria provided, single submitter. Criteria: Invitae Variant Classification Sherloc (09022015). Collection method: clinical testing. Allele origin: germline.
Comment: This sequence change replaces threonine, which is neutral and polar, with alanine, which is neutral and non-polar, at codon 634 of the DYSF protein (p.Thr634Ala). This variant is present in population databases (rs754033290, gnomAD 0.006%). This variant has not been reported in the literature in individuals affected with DYSF-related conditions. Advanced modeling of protein sequence and biophysical properties (such as structural, functional, and spatial information, amino acid conservation, physicochemical variation, residue mobility, and thermodynamic stability) performed at Invitae indicates that this missense variant is expected to disrupt DYSF protein function. In summary, the available evidence is currently insufficient to determine the role of this variant in disease. Therefore, it has been classified as a Variant of Uncertain Significance.

NM_001130987.2(DYSF):c.1954A>G (p.Thr652Ala)

Gene: DYSF (dysferlin; plus strand). Cytogenetic location: 2p13.2.
Variant type: single nucleotide variant.
Coding change: c.1954A>G on transcript NM_001130987.2 (MANE Select); coding-DNA position 1954, A replaced by G.
Protein change: p.Thr652Ala; replaces threonine 652 with alanine.
Molecular consequence: missense variant.
Genome position (GRCh38, 1-based): chr2:71,553,158, A>G. VCF-style: chr2-71553158-A-G. GRCh37 (hg19) VCF-style: chr2-71780288-A-G.
Other names: c.1900A>G (NM_003494.3); c.1903A>G, p.Thr635Ala (NM_001130455.2, NM_001130983.2); c.1858A>G, p.Thr620Ala (NM_001130976.2, NM_001130977.2); c.1900A>G, p.Thr634Ala (NM_001130978.2, NM_003494.4); c.1993A>G, p.Thr665Ala (NM_001130979.2); c.1951A>G, p.Thr651Ala (NM_001130980.2, NM_001130981.2); c.1996A>G, p.Thr666Ala (NM_001130982.2); c.1861A>G, p.Thr621Ala (NM_001130984.2, NM_001130986.2); and 1 more; short protein forms T651A, T652A, T665A, T634A, T621A, T666A, T620A, T635A.
Identifiers: ClinVar variation 1989534 (VCV001989534.4), dbSNP rs754033290, ClinGen allele CA1705987.